The following is an entry in ClinVar:

ClinVar aggregate classification (germline): Uncertain significance (1 of 4 stars; one submission).

Conditions:
Adams-Oliver syndrome 5 (AOS5). Identifiers: Orphanet 974, MedGen C4014970, MONDO:0014459, OMIM 616028.

Submission:

Labcorp Genetics (formerly Invitae), Labcorp
Classification: Uncertain significance for Adams-Oliver syndrome 5. Last evaluated: 2026-01-19. Review status: criteria provided, single submitter. Criteria: Invitae Variant Classification Sherloc (09022015). Collection method: clinical testing. Allele origin: germline.
Comment: This sequence change replaces glycine, which is neutral and non-polar, with valine, which is neutral and non-polar, at codon 81 of the NOTCH1 protein (p.Gly81Val). This variant is not present in population databases (gnomAD no frequency). This variant has not been reported in the literature in individuals affected with NOTCH1-related conditions. ClinVar contains an entry for this variant (Variation ID: 2904482). Invitae Evidence Modeling of protein sequence and biophysical properties (such as structural, functional, and spatial information, amino acid conservation, physicochemical variation, residue mobility, and thermodynamic stability) indicates that this missense variant is not expected to disrupt NOTCH1 protein function with a negative predictive value of 95%. In summary, the available evidence is currently insufficient to determine the role of this variant in disease. Therefore, it has been classified as a Variant of Uncertain Significance.

NM_017617.5(NOTCH1):c.242G>T (p.Gly81Val)

Gene: NOTCH1 (notch receptor 1; minus strand). Cytogenetic location: 9q34.3.
Variant type: single nucleotide variant.
Coding change: c.242G>T on transcript NM_017617.5 (MANE Select); coding-DNA position 242, G replaced by T.
Protein change: p.Gly81Val; replaces glycine 81 with valine.
Molecular consequence: missense variant.
Genome position (GRCh38, 1-based): chr9:136,523,878, C>A on the plus strand (G>T on the coding strand, the complement: NOTCH1 is on the minus strand). VCF-style: chr9-136523878-C-A. GRCh37 (hg19) VCF-style: chr9-139418330-C-A.
Other names: short protein forms G81V.
Identifiers: ClinVar variation 2904482 (VCV002904482.3), dbSNP rs749152413, ClinGen allele CA375572943.